The following is an entry in ClinVar:

NM_000875.5(IGF1R):c.3302A>C (p.Asn1101Thr)

Gene: IGF1R (insulin like growth factor 1 receptor; plus strand). Cytogenetic location: 15q26.3.
Variant type: single nucleotide variant.
Coding change: c.3302A>C on transcript NM_000875.5 (MANE Select); coding-DNA position 3302, A replaced by C.
Protein change: p.Asn1101Thr; replaces asparagine 1101 with threonine.
Molecular consequence: missense variant.
Genome position (GRCh38, 1-based): chr15:98,939,205, A>C. VCF-style: chr15-98939205-A-C. GRCh37 (hg19) VCF-style: chr15-99482434-A-C.
Other names: c.3299A>C, p.Asn1100Thr (NM_001291858.2); short protein forms N1100T, N1101T.
Identifiers: ClinVar variation 2996620 (VCV002996620.3), dbSNP rs2506068803, ClinGen allele CA393659708.
Genomic context (GRCh38, chr15:98,939,205, plus strand): 5'-GGCATGGAAAAAAAAAATCCAAAATTCTCATGTGAATTTTTTTAAATCTCCAACAGAATA[A>C]TCCAGTCCTAGCACCTCCAAGCCTGAGCAAGATGATTCAGATGGCCGGAGAGATTGCAGA-3'
Protein context (NP_000866.1, residues 1091-1111): LRSLRPEMEN[Asn1101Thr]PVLAPPSLSK

ClinVar aggregate classification (germline): Uncertain significance (1 of 4 stars; one submission).

Submission:

Labcorp Genetics (formerly Invitae), Labcorp
Classification: Uncertain significance. Last evaluated: 2023-06-25. Review status: criteria provided, single submitter. Criteria: Invitae Variant Classification Sherloc (09022015). Collection method: clinical testing. Allele origin: germline.
Comment: In summary, the available evidence is currently insufficient to determine the role of this variant in disease. Therefore, it has been classified as a Variant of Uncertain Significance. Advanced modeling of protein sequence and biophysical properties (such as structural, functional, and spatial information, amino acid conservation, physicochemical variation, residue mobility, and thermodynamic stability) performed at Invitae indicates that this missense variant is not expected to disrupt IGF1R protein function. This variant has not been reported in the literature in individuals affected with IGF1R-related conditions. This variant is not present in population databases (gnomAD no frequency). This sequence change replaces asparagine, which is neutral and polar, with threonine, which is neutral and polar, at codon 1101 of the IGF1R protein (p.Asn1101Thr).